The following is an entry in ClinVar:

ClinVar aggregate classification (germline): Likely benign. Review status: criteria provided, multiple submitters, no conflicts (2 of 4 stars). 7 submissions from 6 submitters: Likely benign (6). 1 of the submissions does not count toward it. Last evaluated 2026-04-01.

Conditions:
Usher syndrome type 2A. Also called: RETINAL DISEASE IN USHER SYNDROME TYPE IIA, MODIFIER OF; USHER SYNDROME, TYPE IIA. Identifiers: Orphanet 231178, Orphanet 886, MedGen C1848634, MONDO:0010169, OMIM 276901.
Retinitis pigmentosa 39 (RP39). Identifiers: Orphanet 791, MedGen C3151138, MONDO:0013436, OMIM 613809.

Allele frequency attached by ClinVar (database versions not stated): ExAC 0.00014; gnomAD exomes 0.00021; ESP Exome Variant Server 0.00023; gnomAD 0.00035 and 0.00036; TOPMed 0.00045; 1000 Genomes Project 30x 0.00078; 1000 Genomes Project 0.00080.
gnomAD v4.1: 154 of 1,613,772 alleles (0.0095%); highest among the groups gnomAD compares: African/African-American, 0.11%; no homozygotes.

Submissions (7):

CeGaT Center for Human Genetics Tuebingen
Classification: Likely benign. Last evaluated: 2026-04-01. Review status: criteria provided, single submitter. Criteria: CeGaT Center For Human Genetics Tuebingen Variant Classification Criteria Version 2. Collection method: clinical testing. Allele origin: germline. Affected: yes. Observed: 1 variant allele.
Comment: USH2A: BP4, BP7

Labcorp Genetics (formerly Invitae), Labcorp
Classification: Likely benign. Last evaluated: 2025-12-17. Review status: criteria provided, single submitter. Criteria: Invitae Variant Classification Sherloc (09022015). Collection method: clinical testing. Allele origin: germline.

Blueprint Genetics
Classification: Likely benign. Last evaluated: 2024-11-25. Review status: criteria provided, single submitter. Criteria: ACMG Guidelines, 2015. Collection method: clinical testing. Allele origin: germline.

Genome-Nilou Lab
Classification: Likely benign for Retinitis pigmentosa 39. Last evaluated: 2023-11-04. Review status: criteria provided, single submitter. Criteria: ACMG Guidelines, 2015. Collection method: clinical testing. Allele origin: germline. Affected: no.

Genome-Nilou Lab
Classification: Likely benign for Usher syndrome type 2A. Last evaluated: 2023-11-04. Review status: criteria provided, single submitter. Criteria: ACMG Guidelines, 2015. Collection method: clinical testing. Allele origin: germline. Affected: no.

GeneDx
Classification: Likely benign. Last evaluated: 2020-03-10. Review status: criteria provided, single submitter. Criteria: GeneDx Variant Classification Process June 2021. Collection method: clinical testing. Allele origin: germline. Affected: yes.

Natera, Inc.
Classification: Likely benign for Usher syndrome type 2A. Last evaluated: 2020-02-02. Review status: no assertion criteria provided. Collection method: clinical testing. Allele origin: germline. Not counted in ClinVar's aggregate classification.

NM_206933.4(USH2A):c.5751C>T (p.Tyr1917=)

Genes: USH2A (usherin; minus strand), USH2A-AS2 (USH2A antisense RNA 2; plus strand). Cytogenetic location: 1q41.
Variant type: single nucleotide variant.
Coding change: c.5751C>T on transcript NM_206933.4 (MANE Select); coding-DNA position 5751, C replaced by T.
Protein change: p.Tyr1917=; no amino-acid change (tyrosine 1917 retained).
Molecular consequence: synonymous variant.
Genome position (GRCh38, 1-based): chr1:216,073,122, G>A on the plus strand (C>T on the coding strand, the complement: USH2A is on the minus strand). VCF-style: chr1-216073122-G-A. GRCh37 (hg19) VCF-style: chr1-216246464-G-A.
Identifiers: ClinVar variation 721952 (VCV000721952.17), dbSNP rs145742052, ClinGen allele CA1395369.
Genomic context (GRCh38, chr1:216,073,122, plus strand): 5'-CATGTAACATTTAATTTAGAGGACCTCCACATTACCTGTAAAAGGCTGGAGACCACCCTC[G>A]TAAACACTCTGCTCTTTTCCCTGGTAAACCAGGATGGAGTCATTTCCCCTGCAGTTAACA-3'
Protein context (NP_996816.3, residues 1907-1927): LVYQGKEQSV[Tyr1917=]EGGLQPFTEY